The following is an entry in ClinVar:

NM_005802.5(TOPORS):c.2825_2826delinsGC (p.Pro942Arg)

Gene: TOPORS (TOP1 binding arginine/serine rich protein, E3 ubiquitin ligase; minus strand). Cytogenetic location: 9p21.1.
Variant type: Indel.
Coding change: c.2825_2826delinsGC on transcript NM_005802.5 (MANE Select); coding-DNA positions 2825 to 2826, CT replaced by GC.
Protein change: p.Pro942Arg; replaces proline 942 with arginine.
Molecular consequence: missense variant.
Genome position (GRCh38, 1-based): chr9:32,541,699-32,541,700, AG replaced by GC on the plus strand (CT replaced by GC on the coding strand, the reverse complement: TOPORS is on the minus strand). VCF-style: chr9-32541699-AG-GC. GRCh37 (hg19) VCF-style: chr9-32541697-AG-GC.
Other names: c.2630_2631delinsGC, p.Pro877Arg (NM_001195622.2); short protein forms P877R, P942R.
Identifiers: ClinVar variation 2135417 (VCV002135417.4), dbSNP rs2489444854, ClinGen allele CA2580080525.

ClinVar aggregate classification (germline): Uncertain significance (1 of 4 stars; one submission).

Submission:

Labcorp Genetics (formerly Invitae), Labcorp
Classification: Uncertain significance. Last evaluated: 2022-08-07. Review status: criteria provided, single submitter. Criteria: Invitae Variant Classification Sherloc (09022015). Collection method: clinical testing. Allele origin: germline.
Comment: This variant has not been reported in the literature in individuals affected with TOPORS-related conditions. In summary, the available evidence is currently insufficient to determine the role of this variant in disease. Therefore, it has been classified as a Variant of Uncertain Significance. Experimental studies and prediction algorithms are not available or were not evaluated, and the functional significance of this variant is currently unknown. Information on the frequency of this variant in the gnomAD database is not available, as this variant may be reported differently in the database. This sequence change replaces proline, which is neutral and non-polar, with arginine, which is basic and polar, at codon 942 of the TOPORS protein (p.Pro942Arg).